The following is an entry in ClinVar:

ClinVar aggregate classification (germline): Benign/Likely benign. Review status: criteria provided, multiple submitters, no conflicts (2 of 4 stars). 13 submissions from 13 submitters: Benign (8); Likely benign (4). 1 of the submissions does not count toward it. Last evaluated 2026-02-02.

Conditions:
Maple syrup urine disease type 1A (MSUD1A). Also called: MSUD type 1A. Identifiers: MedGen C1855369, MONDO:0023691, OMIM 248600.
Maple syrup urine disease (MSUD). Identifiers: Orphanet 511, MedGen C0024776, MeSH D008375, MONDO:0009563. Disease mechanism: loss of function.

Allele frequency attached by ClinVar (database versions not stated): 1000 Genomes Project 0.00339; 1000 Genomes Project 30x 0.00390; ESP Exome Variant Server 0.00723; TOPMed 0.00740; gnomAD 0.00844 and 0.00864; gnomAD exomes 0.00855; ExAC 0.00960.
gnomAD v4.1: 15,273 of 1,613,176 alleles (0.95%); highest among the groups gnomAD compares: Non-Finnish European, 1.1%; 90 homozygotes.

Submissions (13):

Labcorp Genetics (formerly Invitae), Labcorp
Classification: Benign for Maple syrup urine disease. Last evaluated: 2026-02-02. Review status: criteria provided, single submitter. Criteria: Invitae Variant Classification Sherloc (09022015). Collection method: clinical testing. Allele origin: germline.

CeGaT Center for Human Genetics Tuebingen
Classification: Benign. Last evaluated: 2025-11-01. Review status: criteria provided, single submitter. Criteria: CeGaT Center For Human Genetics Tuebingen Variant Classification Criteria Version 2. Collection method: clinical testing. Allele origin: germline. Affected: yes. Observed: 17 variant alleles.
Comment: DBT: BP4, BS1, BS2

ARUP Laboratories, Molecular Genetics and Genomics, ARUP Laboratories
Classification: Benign for Maple syrup urine disease type 1A. Last evaluated: 2023-09-21. Review status: criteria provided, single submitter. Criteria: ARUP Molecular Germline Variant Investigation Process 2024. Collection method: clinical testing. Allele origin: germline.

Genome-Nilou Lab
Classification: Likely benign for Maple syrup urine disease type 1A. Last evaluated: 2023-04-11. Review status: criteria provided, single submitter. Criteria: ACMG Guidelines, 2015. Collection method: clinical testing. Allele origin: germline. Affected: no.

Fulgent Genetics
Classification: Likely benign for Maple syrup urine disease type 1A. Last evaluated: 2021-11-05. Review status: criteria provided, single submitter. Criteria: ACMG Guidelines, 2015. Collection method: clinical testing. Allele origin: unknown.

Illumina Laboratory Services, Illumina
Classification: Benign for Maple syrup urine disease type 1A. Last evaluated: 2018-01-13. Review status: criteria provided, single submitter. Criteria: ICSL Variant Classification Criteria 13 December 2019. Collection method: clinical testing. Allele origin: germline.
Comment: This variant was observed in the ICSL laboratory as part of a predisposition screen in an ostensibly healthy population. It had not been previously curated by ICSL or reported in the Human Gene Mutation Database (HGMD: prior to June 1st, 2018), and was therefore a candidate for classification through an automated scoring system. Utilizing variant allele frequency, disease prevalence and penetrance estimates, and inheritance mode, an automated score was calculated to assess if this variant is too frequent to cause the disease. Based on the score and internal cut-off values, a variant classified as benign is not then subjected to further curation. The score for this variant resulted in a classification of benign for this disease.

Genome Diagnostics Laboratory, University Medical Center Utrecht
Classification: Benign for Maple syrup urine disease type 1A. Last evaluated: 2016-09-06. Review status: criteria provided, single submitter. Criteria: ACGS Guidelines, 2013. Collection method: clinical testing. Allele origin: germline. Affected: yes. Study: VKGL Data-share Consensus.

GeneDx
Classification: Benign. Last evaluated: 2015-12-23. Review status: criteria provided, single submitter. Criteria: GeneDx Variant Classification (06012015). Collection method: clinical testing. Allele origin: germline. Affected: yes.
Comment: This variant is considered likely benign or benign based on one or more of the following criteria: it is a conservative change, it occurs at a poorly conserved position in the protein, it is predicted to be benign by multiple in silico algorithms, and/or has population frequency not consistent with disease.

Center for Pediatric Genomic Medicine, Children's Mercy Hospital and Clinics
Classification: Benign. Last evaluated: 2015-06-04. Review status: criteria provided, single submitter. Criteria: ACMG Guidelines, 2015. Collection method: clinical testing. Allele origin: germline.

Eurofins Ntd Llc (ga)
Classification: Benign. Last evaluated: 2013-10-30. Review status: criteria provided, single submitter. Criteria: EGL Classification Definitions 2015. Collection method: clinical testing. Allele origin: germline. Observed: 1 variant allele, 1 heterozygote.

Breakthrough Genomics
Classification: Likely benign. Review status: criteria provided, single submitter. Criteria: ACMG Guidelines, 2015. Collection method: not provided. Allele origin: germline. Inheritance: Autosomal recessive inheritance. Affected: yes.

PreventionGenetics, part of Exact Sciences
Classification: Likely benign. Review status: criteria provided, single submitter. Criteria: ACMG Guidelines, 2015. Collection method: clinical testing. Allele origin: germline.

Clinical Genetics, Academic Medical Center
Classification: Benign. Review status: no assertion criteria provided. Collection method: clinical testing. Allele origin: germline. Affected: yes. Study: VKGL Data-share Consensus. Not counted in ClinVar's aggregate classification.

NM_001918.5(DBT):c.724T>C (p.Ser242Pro)

Gene: DBT (dihydrolipoamide branched chain transacylase E2; minus strand). Cytogenetic location: 1p21.2.
Variant type: single nucleotide variant.
Coding change: c.724T>C on transcript NM_001918.5 (MANE Select); coding-DNA position 724, T replaced by C.
Protein change: p.Ser242Pro; replaces serine 242 with proline.
Molecular consequence: missense variant.
Genome position (GRCh38, 1-based): chr1:100,216,031, A>G on the plus strand (T>C on the coding strand, the complement: DBT is on the minus strand). VCF-style: chr1-100216031-A-G. GRCh37 (hg19) VCF-style: chr1-100681587-A-G.
Other names: short protein forms S242P.
Identifiers: ClinVar variation 94011 (VCV000094011.57), dbSNP rs146249007, ClinGen allele CA147533.